The following is an entry in ClinVar:

NM_000718.4(CACNA1B):c.5858C>T (p.Pro1953Leu)

Gene: CACNA1B (calcium voltage-gated channel subunit alpha1 B; plus strand). Cytogenetic location: 9q34.3.
Variant type: single nucleotide variant.
Coding change: c.5858C>T on transcript NM_000718.4 (MANE Select); coding-DNA position 5858, C replaced by T.
Protein change: p.Pro1953Leu; replaces proline 1953 with leucine.
Molecular consequence: missense variant.
Genome position (GRCh38, 1-based): chr9:138,118,026, C>T. VCF-style: chr9-138118026-C-T. GRCh37 (hg19) VCF-style: chr9-141012478-C-T.
Other names: c.5858C>T (NM_000718.3); c.5858C>T, p.Pro1953Leu (NM_001243812.2); short protein forms P1953L.
Identifiers: ClinVar variation 2166131 (VCV002166131.4), dbSNP rs199770929, ClinGen allele CA5377511.

ClinVar aggregate classification (germline): Uncertain significance. Review status: criteria provided, multiple submitters, no conflicts (2 of 4 stars). 2 submissions from 2 submitters: Uncertain significance (2). Last evaluated 2025-12-08.

Allele frequency attached by ClinVar (database versions not stated): gnomAD exomes 0.00006; ExAC 0.00002; gnomAD 0.00003; TOPMed 0.00005.
gnomAD v4.1: 90 of 1,600,558 alleles (0.0056%); highest among the groups gnomAD compares: Non-Finnish European, 0.0064%; no homozygotes.

Submissions (2):

Labcorp Genetics (formerly Invitae), Labcorp
Classification: Uncertain significance. Last evaluated: 2025-12-08. Review status: criteria provided, single submitter. Criteria: Invitae Variant Classification Sherloc (09022015). Collection method: clinical testing. Allele origin: germline.
Comment: This sequence change replaces proline, which is neutral and non-polar, with leucine, which is neutral and non-polar, at codon 1953 of the CACNA1B protein (p.Pro1953Leu). The frequency data for this variant in the population databases is considered unreliable, as metrics indicate poor data quality at this position in the gnomAD database. This variant has not been reported in the literature in individuals affected with CACNA1B-related conditions. ClinVar contains an entry for this variant (Variation ID: 2166131). An algorithm developed to predict the effect of missense changes on protein structure and function (PolyPhen-2) suggests that this variant is likely to be tolerated. In summary, the available evidence is currently insufficient to determine the role of this variant in disease. Therefore, it has been classified as a Variant of Uncertain Significance.

Ambry Genetics
Classification: Uncertain significance. Last evaluated: 2023-08-28. Review status: criteria provided, single submitter. Criteria: Ambry Variant Classification Scheme 2023. Collection method: clinical testing. Allele origin: germline.